The following is an entry in ClinVar:

NM_000077.5(CDKN2A):c.232C>G (p.Leu78Val)

Gene: CDKN2A (cyclin dependent kinase inhibitor 2A; minus strand). Cytogenetic location: 9p21.3.
Variant type: single nucleotide variant.
Coding change: c.232C>G on transcript NM_000077.5; coding-DNA position 232, C replaced by G.
Protein change: p.Leu78Val; replaces leucine 78 with valine.
Molecular consequence: missense variant (on NM_000077.6). On other transcripts: 3 prime UTR variant (1).
Genome position (GRCh38, 1-based): chr9:21,971,127, G>C on the plus strand (C>G on the coding strand, the complement: CDKN2A is on the minus strand). VCF-style: chr9-21971127-G-C. GRCh37 (hg19) VCF-style: chr9-21971126-G-C.
Other names: c.232C>G, p.Leu78Val (NM_000077.6, NM_001195132.2); c.79C>G, p.Leu27Val (NM_001363763.2); c.275C>G, p.Ser92Cys (NM_058195.4); c.*155C>G (NM_058197.5); short protein forms L27V, S92C, L78V.
Identifiers: ClinVar variation 2814776 (VCV002814776.4), dbSNP rs1563889606, ClinGen allele CA373086271.

ClinVar aggregate classification (germline): Uncertain significance. Review status: criteria provided, multiple submitters, no conflicts (2 of 4 stars). 2 submissions from 2 submitters: Uncertain significance (2). Last evaluated 2024-07-15.

Conditions:
Familial melanoma. Also called: Hereditary melanoma; Hereditary cutaneous melanoma. Identifiers: Orphanet 618, MedGen C1512419, MONDO:0018961.
Hereditary cancer-predisposing syndrome. Also called: Hereditary Cancer Syndrome; Tumor predisposition; Hereditary neoplastic syndrome; Neoplastic Syndromes, Hereditary. Identifiers: Orphanet 140162, MedGen C0027672, MeSH D009386, MONDO:0015356.

Submissions (2):

Color Diagnostics, LLC DBA Color Health
Classification: Uncertain significance for Hereditary cancer-predisposing syndrome. Last evaluated: 2024-07-15. Review status: criteria provided, single submitter. Criteria: ACMG Guidelines, 2015. Collection method: clinical testing. Allele origin: germline.
Comment: The CDKN2A locus encodes two different gene products, p16INK4a and p14ARF. This missense variant replaces serine with cysteine at codon 92 of the CDKN2A (p16INK4A) protein. Computational prediction suggests that this variant may not impact protein structure and function (internally defined REVEL score threshold <= 0.5, PMID: 27666373). To our knowledge, functional studies have not been reported for this variant. This variant has not been reported in individuals affected with CDKN2A-related disorders in the literature. This variant has not been identified in the general population by the Genome Aggregation Database (gnomAD). The available evidence is insufficient to determine the role of this variant in disease conclusively. Therefore, this variant is classified as a Variant of Uncertain Significance.

Labcorp Genetics (formerly Invitae), Labcorp
Classification: Uncertain significance for Familial melanoma. Last evaluated: 2022-11-16. Review status: criteria provided, single submitter. Criteria: Invitae Variant Classification Sherloc (09022015). Collection method: clinical testing. Allele origin: germline.
Comment: In summary, the available evidence is currently insufficient to determine the role of this variant in disease. Therefore, it has been classified as a Variant of Uncertain Significance. This variant is not present in population databases (gnomAD no frequency). This variant has not been reported in the literature in individuals affected with CDKN2A (p16INK4a)-related conditions. This variant is also known as c.275C>G (p.Ser92Cys) in CDKN2A (p14ARF) transcript. Algorithms developed to predict the effect of missense changes on protein structure and function (SIFT, PolyPhen-2, Align-GVGD) all suggest that this variant is likely to be tolerated. This sequence change replaces leucine, which is neutral and non-polar, with valine, which is neutral and non-polar, at codon 78 of the CDKN2A (p16INK4a) protein (p.Leu78Val). The CDKN2A gene encodes two different proteins, p16INK4a and p14ARF, which are translated from alternative transcripts with different open reading frames. Both transcripts have been analyzed. We report either the variant with the higher classification or default to the CDKN2A (p16INK4a) variant. This report therefore includes the details for the CDKN2A (p16INK4a) variant.